The following is an entry in ClinVar:

ClinVar aggregate classification (germline): Likely benign. Review status: criteria provided, multiple submitters, no conflicts (2 of 4 stars). 5 submissions from 5 submitters: Likely benign (4). 1 of the submissions does not count toward it. Last evaluated 2025-09-14.

Conditions:
COL18A1-related disorder. Also called: COL18A1-related disorders; COL18A1-related condition.
Inborn genetic diseases. Identifiers: MedGen C0950123, MeSH D030342.

Allele frequency attached by ClinVar (database versions not stated): ExAC 0.00009; gnomAD exomes 0.00010 and 0.00022; TOPMed 0.00010; gnomAD 0.00012 and 0.00013; ESP Exome Variant Server 0.00025.
gnomAD v4.1: 325 of 1,612,930 alleles (0.02%); highest among the groups gnomAD compares: Non-Finnish European, 0.026%; no homozygotes.

Submissions (5):

Labcorp Genetics (formerly Invitae), Labcorp
Classification: Likely benign. Last evaluated: 2025-09-14. Review status: criteria provided, single submitter. Criteria: Invitae Variant Classification Sherloc (09022015). Collection method: clinical testing. Allele origin: germline.

Blueprint Genetics
Classification: Likely benign. Last evaluated: 2024-06-11. Review status: criteria provided, single submitter. Criteria: ACMG Guidelines, 2015. Collection method: clinical testing. Allele origin: germline.

Ambry Genetics
Classification: Likely benign for Inborn genetic diseases. Last evaluated: 2023-12-27. Review status: criteria provided, single submitter. Criteria: Ambry Variant Classification Scheme 2023. Collection method: clinical testing. Allele origin: germline.

CeGaT Center for Human Genetics Tuebingen
Classification: Likely benign. Last evaluated: 2022-03-01. Review status: criteria provided, single submitter. Criteria: CeGaT Center For Human Genetics Tuebingen Variant Classification Criteria Version 2. Collection method: clinical testing. Allele origin: germline. Affected: yes. Observed: 1 variant allele.
Comment: COL18A1: BP4, BP7

PreventionGenetics, part of Exact Sciences
Classification: Likely benign for COL18A1-related condition. Last evaluated: 2024-06-07. Review status: no assertion criteria provided. Collection method: clinical testing. Allele origin: germline. Not counted in ClinVar's aggregate classification.
Comment: This variant is classified as likely benign based on ACMG/AMP sequence variant interpretation guidelines (Richards et al. 2015 PMID: 25741868, with internal and published modifications).

NM_001379500.1(COL18A1):c.1851C>T (p.Ser617=)

Gene: COL18A1 (collagen type XVIII alpha 1 chain; plus strand). Cytogenetic location: 21q22.3.
Variant type: single nucleotide variant.
Coding change: c.1851C>T on transcript NM_001379500.1 (MANE Select); coding-DNA position 1851, C replaced by T.
Protein change: p.Ser617=; no amino-acid change (serine 617 retained).
Molecular consequence: synonymous variant.
Genome position (GRCh38, 1-based): chr21:45,487,464, C>T. VCF-style: chr21-45487464-C-T. GRCh37 (hg19) VCF-style: chr21-46907378-C-T.
Other names: NM_130445.2:c.1851C>T; c.2391C>T, p.Ser797= (NM_030582.4); c.3096C>T, p.Ser1032= (NM_130444.3); c.2391C>T (NM_030582.3).
Identifiers: ClinVar variation 1155321 (VCV001155321.34), dbSNP rs376114537, ClinGen allele CA10066576.